The following is an entry in ClinVar:

ClinVar aggregate classification (germline): Conflicting classifications of pathogenicity. Review status: criteria provided, conflicting classifications (1 of 4 stars). 5 submissions from 5 submitters: Uncertain significance (4); Likely benign (1). Last evaluated 2025-07-09.

Conditions:
Hereditary breast ovarian cancer syndrome. Also called: Hereditary breast and ovarian cancer syndrome (HBOC); Hereditary breast and ovarian cancer syndrome; Breast and ovarian cancer; Hereditary breast and/or ovarian cancer syndrome; Hereditary breast and ovarian cancer; BRCA1- and BRCA2-Associated Hereditary Breast and Ovarian Cancer. Identifiers: Orphanet 145, MedGen C0677776, MeSH D061325, MONDO:0003582. Disease mechanism: loss of function.
Hereditary cancer-predisposing syndrome. Also called: Neoplastic Syndromes, Hereditary; Hereditary Cancer Syndrome; Hereditary neoplastic syndrome; Tumor predisposition. Identifiers: Orphanet 140162, MedGen C0027672, MeSH D009386, MONDO:0015356.

gnomAD v4.1: 4 of 1,548,234 alleles (0.00026%); highest among the groups gnomAD compares: South Asian, 0.0049%; no homozygotes.

Submissions (5):

GeneDx
Classification: Uncertain significance. Last evaluated: 2025-07-09. Review status: criteria provided, single submitter. Criteria: GeneDx Variant Classification Process June 2021. Collection method: clinical testing. Allele origin: germline. Affected: yes.
Comment: Not observed at significant frequency in large population cohorts (gnomAD); In silico analysis supports that this missense variant has a deleterious effect on protein structure/function; Has not been previously published as pathogenic or benign to our knowledge; Also known as 4121T>G

Labcorp Genetics (formerly Invitae), Labcorp
Classification: Uncertain significance for Hereditary breast ovarian cancer syndrome. Last evaluated: 2025-04-17. Review status: criteria provided, single submitter. Criteria: Invitae Variant Classification Sherloc (09022015). Collection method: clinical testing. Allele origin: germline.
Comment: This sequence change replaces isoleucine, which is neutral and non-polar, with serine, which is neutral and polar, at codon 1298 of the BRCA2 protein (p.Ile1298Ser). This variant is not present in population databases (gnomAD no frequency). This variant has not been reported in the literature in individuals affected with BRCA2-related conditions. ClinVar contains an entry for this variant (Variation ID: 462313). Invitae Evidence Modeling of protein sequence and biophysical properties (such as structural, functional, and spatial information, amino acid conservation, physicochemical variation, residue mobility, and thermodynamic stability) indicates that this missense variant is not expected to disrupt BRCA2 protein function with a negative predictive value of 95%. In summary, the available evidence is currently insufficient to determine the role of this variant in disease. Therefore, it has been classified as a Variant of Uncertain Significance.

University of Washington Department of Laboratory Medicine, University of Washington
Classification: Likely benign for Hereditary cancer-predisposing syndrome. Last evaluated: 2023-03-23. Review status: criteria provided, single submitter. Criteria: Dines et al. (Genet Med. 2020). Collection method: curation. Allele origin: germline.
Comment: Missense variant in a coldspot region where missense variants are very unlikely to be pathogenic (PMID:31911673).

BRCA2 exon 11 coldspot. Reclassification based on statistical prior probability.

Ambry Genetics
Classification: Uncertain significance for Hereditary cancer-predisposing syndrome. Last evaluated: 2019-08-29. Review status: criteria provided, single submitter. Criteria: Ambry Variant Classification Scheme 2023. Collection method: clinical testing. Allele origin: germline.
Comment: The p.I1298S variant (also known as c.3893T>G), located in coding exon 10 of the BRCA2 gene, results from a T to G substitution at nucleotide position 3893. The isoleucine at codon 1298 is replaced by serine, an amino acid with dissimilar properties. This amino acid position is not well conserved in available vertebrate species. In addition, this alteration is predicted to be tolerated by in silico analysis. Since supporting evidence is limited at this time, the clinical significance of this alteration remains unclear.

Color Diagnostics, LLC DBA Color Health
Classification: Uncertain significance for Hereditary cancer-predisposing syndrome. Last evaluated: 2019-04-17. Review status: criteria provided, single submitter. Criteria: ACMG Guidelines, 2015. Collection method: clinical testing. Allele origin: germline.

NM_000059.4(BRCA2):c.3893T>G (p.Ile1298Ser)

Gene: BRCA2 (BRCA2 DNA repair associated; plus strand). Cytogenetic location: 13q13.1.
Variant type: single nucleotide variant.
Coding change: c.3893T>G on transcript NM_000059.4 (MANE Select); coding-DNA position 3893, T replaced by G.
Protein change: p.Ile1298Ser; replaces isoleucine 1298 with serine.
Molecular consequence: missense variant.
Genome position (GRCh38, 1-based): chr13:32,338,248, T>G. VCF-style: chr13-32338248-T-G. GRCh37 (hg19) VCF-style: chr13-32912385-T-G.
Other names: short protein forms I1298S.
Identifiers: ClinVar variation 462313 (VCV000462313.20), dbSNP rs80358633, ClinGen allele CA387778773.